The following is an entry in ClinVar:

ClinVar aggregate classification (germline): Uncertain significance. Review status: criteria provided, multiple submitters, no conflicts (2 of 4 stars). 2 submissions from 2 submitters: Uncertain significance (2). Last evaluated 2025-02-18.

Conditions:
Inborn genetic diseases. Identifiers: MedGen C0950123, MeSH D030342.

gnomAD v4.1: 6 of 1,209,222 alleles (0.0005%); highest among the groups gnomAD compares: South Asian, 0.007%; no homozygotes.

Submissions (2):

Ambry Genetics
Classification: Uncertain significance for Inborn genetic diseases. Last evaluated: 2025-02-18. Review status: criteria provided, single submitter. Criteria: Ambry Variant Classification Scheme 2023. Collection method: clinical testing. Allele origin: germline.

Labcorp Genetics (formerly Invitae), Labcorp
Classification: Uncertain significance. Last evaluated: 2024-06-25. Review status: criteria provided, single submitter. Criteria: Invitae Variant Classification Sherloc (09022015). Collection method: clinical testing. Allele origin: germline.
Comment: This sequence change replaces arginine, which is basic and polar, with serine, which is neutral and polar, at codon 386 of the STS protein (p.Arg386Ser). This variant is present in population databases (no rsID available, gnomAD 0.008%). This variant has not been reported in the literature in individuals affected with STS-related conditions. Algorithms developed to predict the effect of missense changes on protein structure and function output the following: SIFT: "Not Available"; PolyPhen-2: "Benign"; Align-GVGD: "Not Available". The serine amino acid residue is found in multiple mammalian species, which suggests that this missense change does not adversely affect protein function. In summary, the available evidence is currently insufficient to determine the role of this variant in disease. Therefore, it has been classified as a Variant of Uncertain Significance.

NM_001320752.2(STS):c.1143G>T (p.Arg381Ser)

Gene: STS (steroid sulfatase; plus strand). Cytogenetic location: Xp22.31.
Variant type: single nucleotide variant.
Coding change: c.1143G>T on transcript NM_001320752.2 (MANE Select); coding-DNA position 1143, G replaced by T.
Protein change: p.Arg381Ser; replaces arginine 381 with serine.
Molecular consequence: missense variant.
Genome position (GRCh38, 1-based): chrX:7,325,400, G>T. VCF-style: chrX-7325400-G-T. GRCh37 (hg19) VCF-style: chrX-7243441-G-T.
Other names: c.1158G>T (NM_000351.4); c.1143G>T, p.Arg381Ser (NM_000351.7, NM_001320753.2, NM_001320754.2); c.1179G>T, p.Arg393Ser (NM_001320750.3, NM_001320751.2); short protein forms R381S, R393S.
Identifiers: ClinVar variation 3649333 (VCV003649333.3).